The following is an entry in ClinVar:

ClinVar aggregate classification (germline): Uncertain significance (1 of 4 stars; one submission).

Conditions:
Spastic paraplegia. Identifiers: MedGen C0037772, HP:0001258.

Submission:

Labcorp Genetics (formerly Invitae), Labcorp
Classification: Uncertain significance for Spastic paraplegia. Last evaluated: 2023-05-30. Review status: criteria provided, single submitter. Criteria: Invitae Variant Classification Sherloc (09022015). Collection method: clinical testing. Allele origin: germline.
Comment: This sequence change replaces tyrosine, which is neutral and polar, with cysteine, which is neutral and slightly polar, at codon 1014 of the KIF5A protein (p.Tyr1014Cys). This variant is not present in population databases (gnomAD no frequency). This variant has not been reported in the literature in individuals affected with KIF5A-related conditions. Advanced modeling of protein sequence and biophysical properties (such as structural, functional, and spatial information, amino acid conservation, physicochemical variation, residue mobility, and thermodynamic stability) performed at Invitae indicates that this missense variant is not expected to disrupt KIF5A protein function. In summary, the available evidence is currently insufficient to determine the role of this variant in disease. Therefore, it has been classified as a Variant of Uncertain Significance.

NM_004984.4(KIF5A):c.3041A>G (p.Tyr1014Cys)

Gene: KIF5A (kinesin family member 5A; plus strand). Cytogenetic location: 12q13.3.
Variant type: single nucleotide variant.
Coding change: c.3041A>G on transcript NM_004984.4 (MANE Select); coding-DNA position 3041, A replaced by G.
Protein change: p.Tyr1014Cys; replaces tyrosine 1014 with cysteine.
Molecular consequence: missense variant.
Genome position (GRCh38, 1-based): chr12:57,583,121, A>G. VCF-style: chr12-57583121-A-G. GRCh37 (hg19) VCF-style: chr12-57976904-A-G.
Other names: c.2774A>G, p.Tyr925Cys (NM_001354705.2); short protein forms Y1014C, Y925C.
Identifiers: ClinVar variation 2898803 (VCV002898803.3), dbSNP rs931443243, ClinGen allele CA237792068.